The following is an entry in ClinVar:

ClinVar aggregate classification (germline): Uncertain significance. Review status: criteria provided, multiple submitters, no conflicts (2 of 4 stars). 2 submissions from 2 submitters: Uncertain significance (2). Last evaluated 2023-12-18.

Conditions:
Inborn genetic diseases. Identifiers: MedGen C0950123, MeSH D030342.

Allele frequency attached by ClinVar (database versions not stated): TOPMed 0.00001.

Submissions (2):

Ambry Genetics
Classification: Uncertain significance for Inborn genetic diseases. Last evaluated: 2023-12-18. Review status: criteria provided, single submitter. Criteria: Ambry Variant Classification Scheme 2023. Collection method: clinical testing. Allele origin: germline.

Labcorp Genetics (formerly Invitae), Labcorp
Classification: Uncertain significance. Last evaluated: 2022-04-06. Review status: criteria provided, single submitter. Criteria: Invitae Variant Classification Sherloc (09022015). Collection method: clinical testing. Allele origin: germline.
Comment: This sequence change replaces leucine, which is neutral and non-polar, with valine, which is neutral and non-polar, at codon 64 of the TPP1 protein (p.Leu64Val). This variant is not present in population databases (gnomAD no frequency). This variant has not been reported in the literature in individuals affected with TPP1-related conditions. Advanced modeling of protein sequence and biophysical properties (such as structural, functional, and spatial information, amino acid conservation, physicochemical variation, residue mobility, and thermodynamic stability) performed at Invitae indicates that this missense variant is not expected to disrupt TPP1 protein function. In summary, the available evidence is currently insufficient to determine the role of this variant in disease. Therefore, it has been classified as a Variant of Uncertain Significance.

NM_000391.4(TPP1):c.190C>G (p.Leu64Val)

Gene: TPP1 (tripeptidyl peptidase 1; minus strand). Cytogenetic location: 11p15.4.
Variant type: single nucleotide variant.
Coding change: c.190C>G on transcript NM_000391.4 (MANE Select); coding-DNA position 190, C replaced by G.
Protein change: p.Leu64Val; replaces leucine 64 with valine.
Molecular consequence: missense variant.
Genome position (GRCh38, 1-based): chr11:6,618,815, G>C on the plus strand (C>G on the coding strand, the complement: TPP1 is on the minus strand). VCF-style: chr11-6618815-G-C. GRCh37 (hg19) VCF-style: chr11-6640046-G-C.
Other names: c.190C>G (NM_000391.3); short protein forms L64V.
Identifiers: ClinVar variation 1448995 (VCV001448995.4), dbSNP rs898250545, ClinGen allele CA217325501.